The following is an entry in ClinVar:

ClinVar aggregate classification (germline): Uncertain significance (1 of 4 stars; one submission).

Submission:

Ambry Genetics
Classification: Uncertain significance. Last evaluated: 2024-01-13. Review status: criteria provided, single submitter. Criteria: Ambry Variant Classification Scheme 2023. Collection method: clinical testing. Allele origin: germline.
Comment: The p.F1126I variant (also known as c.3376T>A), located in coding exon 21 of the PKP4 gene, results from a T to A substitution at nucleotide position 3376. The phenylalanine at codon 1126 is replaced by isoleucine, an amino acid with highly similar properties. This amino acid position is conserved. In addition, this alteration is predicted to be tolerated by in silico analysis. Since supporting evidence is limited at this time, the clinical significance of this alteration remains unclear.

NM_003628.6(PKP4):c.3376T>A (p.Phe1126Ile)

Genes: PKP4 (plakophilin 4; plus strand), PKP4-AS1 (PKP4 antisense RNA 1; minus strand). Cytogenetic location: 2q24.1.
Variant type: single nucleotide variant.
Coding change: c.3376T>A on transcript NM_003628.6 (MANE Select); coding-DNA position 3376, T replaced by A.
Protein change: p.Phe1126Ile; replaces phenylalanine 1126 with isoleucine.
Molecular consequence: missense variant.
Genome position (GRCh38, 1-based): chr2:158,680,474, T>A. VCF-style: chr2-158680474-T-A. GRCh37 (hg19) VCF-style: chr2-159536986-T-A.
Other names: c.3247T>A, p.Phe1083Ile (NM_001005476.4, NM_001377225.1); c.3373T>A, p.Phe1125Ile (NM_001304969.3, NM_001377219.1, NM_001377220.1 and 1 more transcripts); c.2347T>A, p.Phe783Ile (NM_001304970.3); c.3376T>A, p.Phe1126Ile (NM_001377218.1); c.3370T>A, p.Phe1124Ile (NM_001377222.1, NM_001377223.1); c.3367T>A, p.Phe1123Ile (NM_001377224.1); c.3244T>A, p.Phe1082Ile (NM_001377226.1); short protein forms F1082I, F1083I, F1123I, F1124I, F1125I, F1126I, F783I.
Identifiers: ClinVar variation 3223526 (VCV003223526.1), dbSNP rs1559009520, ClinGen allele CA348909762.
Genomic context (GRCh38, chr2:158,680,474, plus strand): 5'-TCATTTTGTCAACAGCATCAACAGCTGTATTATAGTCAAGATGACTCCAACAGAAAGAAC[T>A]TTGATGCATACAGATTGTATTTGCAGTCTCCTCATAGCTATGAAGATCCTTATTTTGATG-3'
Protein context (NP_003619.2, residues 1116-1136): YSQDDSNRKN[Phe1126Ile]DAYRLYLQSP